The following is an entry in ClinVar:

ClinVar aggregate classification (germline): Benign/Likely benign. Review status: criteria provided, multiple submitters, no conflicts (2 of 4 stars). 4 submissions from 4 submitters: Benign (1); Likely benign (3). Last evaluated 2026-07-01.

Conditions:
Combined immunodeficiency due to LRBA deficiency. Also called: Common variable immunodeficiency 8, with autoimmunity. Identifiers: Orphanet 445018, MedGen C3553512, MONDO:0013863, OMIM 614700.

Allele frequency attached by ClinVar (database versions not stated): gnomAD exomes 0.00009 and 0.00028; ExAC 0.00040; TOPMed 0.00123; ESP Exome Variant Server 0.00124; gnomAD 0.00130 and 0.00138; 1000 Genomes Project 0.00240; 1000 Genomes Project 30x 0.00281.
gnomAD v4.1: 302 of 1,378,024 alleles (0.022%); highest among the groups gnomAD compares: African/African-American, 0.42%; 1 homozygote.

Submissions (4):

CeGaT Center for Human Genetics Tuebingen
Classification: Likely benign. Last evaluated: 2026-07-01. Review status: criteria provided, single submitter. Criteria: CeGaT Center For Human Genetics Tuebingen Variant Classification Criteria Version 2. Collection method: clinical testing. Allele origin: germline. Affected: yes. Observed: 1 variant allele.
Comment: LRBA: BP4, BS1

Labcorp Genetics (formerly Invitae), Labcorp
Classification: Benign for Combined immunodeficiency due to LRBA deficiency. Last evaluated: 2025-12-03. Review status: criteria provided, single submitter. Criteria: Invitae Variant Classification Sherloc (09022015). Collection method: clinical testing. Allele origin: germline.

Blueprint Genetics
Classification: Likely benign. Last evaluated: 2024-02-12. Review status: criteria provided, single submitter. Criteria: ACMG Guidelines, 2015. Collection method: clinical testing. Allele origin: germline.

Eurofins Ntd Llc (ga)
Classification: Likely benign. Last evaluated: 2017-06-23. Review status: criteria provided, single submitter. Criteria: EGL Classification Definitions 2015. Collection method: clinical testing. Allele origin: germline. Observed: 1 variant allele, 1 heterozygote.

NM_001364905.1(LRBA):c.6046+1886T>C

Gene: LRBA (LPS responsive beige-like anchor protein; minus strand). Cytogenetic location: 4q31.3.
Variant type: single nucleotide variant.
Coding change: c.6046+1886T>C on transcript NM_001364905.1 (MANE Select); 1886 bases into the intron after coding-DNA position 6046, T replaced by C.
Molecular consequence: intron variant.
Genome position (GRCh38, 1-based): chr4:150,597,121, A>G on the plus strand (T>C on the coding strand, the complement: LRBA is on the minus strand). VCF-style: chr4-150597121-A-G. GRCh37 (hg19) VCF-style: chr4-151518273-A-G.
Other names: c.6046+1886T>C (NM_001367550.1, NM_001199282.3, NM_001440431.1); c.6047-6T>C (NM_006726.5, NM_001440430.1).
Identifiers: ClinVar variation 502706 (VCV000502706.17), dbSNP rs72959815, ClinGen allele CA3102261.
Genomic context (GRCh38, chr4:150,597,121, plus strand): 5'-TAAAATATTACTCAATGCTTACCTTTGCTGTTCTCTCTCAATTTAAAAATGCACACTAAA[A>G]CATAGATAATTAACATTGGATTAACCTTTCAATTACTATCGAGAGTAATCAGAGTGAAAT-3'